The following is an entry in ClinVar:

ClinVar aggregate classification (germline): Pathogenic (1 of 4 stars; one submission).

Conditions:
Inborn genetic diseases. Identifiers: MedGen C0950123, MeSH D030342.

Submission:

Ambry Genetics
Classification: Pathogenic for Inborn genetic diseases. Last evaluated: 2023-03-10. Review status: criteria provided, single submitter. Criteria: Ambry Variant Classification Scheme 2023. Collection method: clinical testing. Allele origin: germline.
Comment: The c.15858_15859delGT (p.Y5287Sfs*19) alteration, located in exon 49 (coding exon 49) of the KMT2D gene, consists of a deletion of 2 nucleotides from position 15858 to 15859, causing a translational frameshift with a predicted alternate stop codon after 19 amino acids. This alteration is expected to result in loss of function by premature protein truncation or nonsense-mediated mRNA decay. This variant was not reported in population-based cohorts in the Genome Aggregation Database (gnomAD). Based on the available evidence, this alteration is classified as pathogenic.

NM_003482.4(KMT2D):c.15858_15859del (p.Tyr5287fs)

Gene: KMT2D (lysine methyltransferase 2D; minus strand). Cytogenetic location: 12q13.12.
Variant type: Deletion.
Coding change: c.15858_15859del on transcript NM_003482.4 (MANE Select); coding-DNA positions 15858 to 15859, 2 bases deleted (GT; older notation c.15858_15859delGT).
Protein change: p.Tyr5287fs; shifts the reading frame from tyrosine 5287.
Molecular consequence: frameshift variant.
Genome position (GRCh38, 1-based): chr12:49,024,872-49,024,873, AC deleted on the plus strand (GT on the coding strand, the reverse complement: KMT2D is on the minus strand). VCF-style (leftmost placement, unchanged base first): chr12-49024871-TAC-T. GRCh37 (hg19) VCF-style: chr12-49418654-TAC-T.
Other names: short protein forms Y5287fs.
Identifiers: ClinVar variation 2488250 (VCV002488250.2), dbSNP rs2499031526, ClinGen allele CA2580085603.